The following is an entry in ClinVar:

NM_023036.6(DNAI2):c.1305G>A (p.Trp435Ter)

Gene: DNAI2 (dynein axonemal intermediate chain 2; plus strand). Cytogenetic location: 17q25.1.
Variant type: single nucleotide variant.
Coding change: c.1305G>A on transcript NM_023036.6 (MANE Select); coding-DNA position 1305, G replaced by A.
Protein change: p.Trp435Ter; replaces tryptophan 435 with a stop codon.
Molecular consequence: nonsense. On other transcripts: non-coding transcript variant (1).
Genome position (GRCh38, 1-based): chr17:74,309,346, G>A. VCF-style: chr17-74309346-G-A. GRCh37 (hg19) VCF-style: chr17-72305485-G-A.
Other names: c.1305G>A, p.Trp435Ter (NM_001172810.3, NM_001353167.2); short protein forms W435*.
Identifiers: ClinVar variation 5012530 (VCV005012530.1).
Genomic context (GRCh38, chr17:74,309,346, plus strand): 5'-GAGCCCCGTGAGGCCGACCGTTTTCTTTACCACCAGGATGGACGGAACCCTGGATATCTG[G>A]GACTTCATGTTCGAGCAGTGCGATCCCACCCTCAGCTTGAAGGTCACGCGCATGTCCCTC-3'

ClinVar aggregate classification (germline): Pathogenic (1 of 4 stars; one submission).

Conditions:
Primary ciliary dyskinesia 9. Also called: CILIARY DYSKINESIA, PRIMARY, 9, WITH OR WITHOUT SITUS INVERSUS. Identifiers: Orphanet 244, MedGen C2676235, MONDO:0012906, OMIM 612444.

Submission:

Myriad Genetics, Inc.
Classification: Pathogenic for Primary ciliary dyskinesia 9. Last evaluated: 2024-05-14. Review status: criteria provided, single submitter. Criteria: Myriad Autosomal Dominant, Autosomal Recessive and X-Linked Classification Criteria (2023). Collection method: clinical testing. Allele origin: unknown.
Comment: NM_023036.4(DNAI2):c.1305G>A(W435*) is expected to be pathogenic in the context of primary ciliary dyskinesia, DNAI2-related. This variant is predicted to lead to an abnormal or absent protein product due to the creation of a premature termination codon in DNAI2, a gene where loss-of-function variants are known to be pathogenic. Please note: this variant was assessed in the context of healthy population screening.